The following is an entry in ClinVar:

NM_016222.4(DDX41):c.711G>T (p.Leu237Phe)

Gene: DDX41 (DEAD-box helicase 41; minus strand). Cytogenetic location: 5q35.3.
Variant type: single nucleotide variant.
Coding change: c.711G>T on transcript NM_016222.4 (MANE Select); coding-DNA position 711, G replaced by T.
Protein change: p.Leu237Phe; replaces leucine 237 with phenylalanine.
Molecular consequence: missense variant.
Genome position (GRCh38, 1-based): chr5:177,515,003, C>A on the plus strand (G>T on the coding strand, the complement: DDX41 is on the minus strand). VCF-style: chr5-177515003-C-A. GRCh37 (hg19) VCF-style: chr5-176942004-C-A.
Other names: c.711G>T, p.Leu237Phe (LRG_1386t1); c.711G>T (NM_016222.2); c.333G>T, p.Leu111Phe (NM_001321732.2, NM_001321830.2); short protein forms L237F, L111F.
Identifiers: ClinVar variation 417674 (VCV000417674.2), dbSNP rs780209663.

ClinVar aggregate classification (germline): Uncertain significance (1 of 4 stars; one submission).

Conditions:
Inborn genetic diseases. Identifiers: MedGen C0950123, MeSH D030342.

Allele frequency attached by ClinVar (database versions not stated): gnomAD exomes below 0.00001; ExAC 0.00001.

Submission:

Ambry Genetics
Classification: Uncertain significance for Inborn genetic diseases. Last evaluated: 2026-05-20. Review status: criteria provided, single submitter. Criteria: Ambry Variant Classification Scheme 2023. Collection method: clinical testing. Allele origin: germline.
Comment: The p.L237F variant (also known as c.711G>T), located in coding exon 8 of the DDX41 gene, results from a G to T substitution at nucleotide position 711. The leucine at codon 237 is replaced by phenylalanine, an amino acid with highly similar properties. This variant was reported compound heterozygous with DDX41 p.P238T (c.712C>A) in a single family with multiple individuals diagnosed with hematologic malignancies (Li R et al. Haematologica, 2016 Jun;101:e228-31). When seen together, this variant pair impairs DDX41 structure (Mosler T et al. Nat Commun, 2021 Dec;12:7314). However, additional evidence is needed to determine the p.L237F variant's impact when seen on it's own. This amino acid position is highly conserved in available vertebrate species. In addition, this alteration is predicted to be tolerated by in silico analysis. Based on the available evidence, the clinical significance of this variant remains unclear.

Literature cited by the submitters: PubMed 26944477; PubMed 34916496.